The following is an entry in ClinVar:

NM_001011547.3(SLC5A9):c.370G>A (p.Val124Ile)

Gene: SLC5A9 (solute carrier family 5 member 9; plus strand). Cytogenetic location: 1p33.
Variant type: single nucleotide variant.
Coding change: c.370G>A on transcript NM_001011547.3 (MANE Select); coding-DNA position 370, G replaced by A.
Protein change: p.Val124Ile; replaces valine 124 with isoleucine.
Molecular consequence: missense variant.
Genome position (GRCh38, 1-based): chr1:48,229,325, G>A. VCF-style: chr1-48229325-G-A. GRCh37 (hg19) VCF-style: chr1-48694997-G-A.
Other names: c.445G>A, p.Val149Ile (NM_001135181.2); short protein forms V124I, V149I.
Identifiers: ClinVar variation 3037507 (VCV003037507.2), dbSNP rs141515954, ClinGen allele CA843530.

ClinVar aggregate classification (germline): Benign (0 of 4 stars; one submission).

Conditions:
SLC5A9-related disorder. Also called: SLC5A9-related condition.

Allele frequency attached by ClinVar (database versions not stated): 1000 Genomes Project 30x 0.00141; 1000 Genomes Project 0.00180; TOPMed 0.00259; ESP Exome Variant Server 0.00369; gnomAD 0.00478; gnomAD exomes 0.00503; ExAC 0.00610.
gnomAD v4.1: 8,062 of 1,614,124 alleles (0.5%); highest among the groups gnomAD compares: Non-Finnish European, 0.49%; 59 homozygotes.

Submission:

PreventionGenetics, part of Exact Sciences
Classification: Benign for SLC5A9-related condition. Last evaluated: 2019-02-20. Review status: no assertion criteria provided. Collection method: clinical testing. Allele origin: germline.
Comment: This variant is classified as benign based on ACMG/AMP sequence variant interpretation guidelines (Richards et al. 2015 PMID: 25741868, with internal and published modifications).